The following is an entry in ClinVar:

NM_004415.4(DSP):c.7148G>A (p.Ser2383Asn)

Gene: DSP (desmoplakin; plus strand). Cytogenetic location: 6p24.3.
Variant type: single nucleotide variant.
Coding change: c.7148G>A on transcript NM_004415.4 (MANE Select); coding-DNA position 7148, G replaced by A.
Protein change: p.Ser2383Asn; replaces serine 2383 with asparagine.
Molecular consequence: missense variant.
Genome position (GRCh38, 1-based): chr6:7,584,410, G>A. VCF-style: chr6-7584410-G-A. GRCh37 (hg19) VCF-style: chr6-7584643-G-A.
Other names: c.5351G>A, p.Ser1784Asn (NM_001008844.3); c.5819G>A, p.Ser1940Asn (NM_001319034.2); short protein forms S1784N, S1940N, S2383N.
Identifiers: ClinVar variation 3071730 (VCV003071730.1), dbSNP rs2533944171, ClinGen allele CA362692341.

ClinVar aggregate classification (germline): Uncertain significance (1 of 4 stars; one submission).

Conditions:
Arrhythmogenic cardiomyopathy with wooly hair and keratoderma. Also called: PALMOPLANTAR KERATODERMA WITH LEFT VENTRICULAR CARDIOMYOPATHY AND WOOLLY HAIR; Carvajal syndrome; Dilated cardiomyopathy with woolly hair and keratoderma; Arrhythmogenic cardiomyopathy with woolly hair and keratoderma. Identifiers: Orphanet 65282, MedGen C1854063, MONDO:0011581, OMIM 605676.

Submission:

All of Us Research Program, National Institutes of Health
Classification: Uncertain significance for Arrhythmogenic cardiomyopathy with wooly hair and keratoderma. Last evaluated: 2023-06-28. Review status: criteria provided, single submitter. Criteria: ACMG Guidelines, 2015. Collection method: clinical testing. Allele origin: germline. Inheritance: Autosomal dominant inheritance. Observed: 1 variant allele, 1 heterozygote.
Comment: This study involves interpretation of variants in research participants for the purpose of population health screening. Participant phenotype was not available at the time of variant classification. Additional details can be found in publication PMID: 35346344, PMCID: PMC8962531